The following is an entry in ClinVar:

ClinVar aggregate classification (germline): Uncertain significance (1 of 4 stars; one submission).

Submission:

Dasa
Classification: Uncertain significance. Last evaluated: 2024-10-30. Review status: criteria provided, single submitter. Criteria: DASA Assertion Criteria. Collection method: clinical testing. Allele origin: germline.
Comment: NM_003664.5(AP3B1):c.2978T>G (p.Phe993Cys) is a missense variant that results in the substitution of phenylalanine with cysteine. This variant is absent from population databases. Computational prediction algorithms are consistent with a deleterious effect. The currently available literature and clinical evidence are not sufficient to establish a definitive association between this variant and the reported condition. Therefore, this variant is classified as a variant of uncertain significance.

NM_003664.5(AP3B1):c.2978T>G (p.Phe993Cys)

Gene: AP3B1 (adaptor related protein complex 3 subunit beta 1; minus strand). Cytogenetic location: 5q14.1.
Variant type: single nucleotide variant.
Coding change: c.2978T>G on transcript NM_003664.5 (MANE Select); coding-DNA position 2978, T replaced by G.
Protein change: p.Phe993Cys; replaces phenylalanine 993 with cysteine.
Molecular consequence: missense variant.
Genome position (GRCh38, 1-based): chr5:78,020,706, A>C on the plus strand (T>G on the coding strand, the complement: AP3B1 is on the minus strand). VCF-style: chr5-78020706-A-C. GRCh37 (hg19) VCF-style: chr5-77316530-A-C.
Other names: c.2831T>G, p.Phe944Cys (NM_001271769.2); short protein forms F944C, F993C.
Identifiers: ClinVar variation 5021059 (VCV005021059.1).